The following is an entry in ClinVar:

NM_000135.4(FANCA):c.2114G>A (p.Ser705Asn)

Gene: FANCA (FA complementation group A; minus strand). Cytogenetic location: 16q24.3.
Variant type: single nucleotide variant.
Coding change: c.2114G>A on transcript NM_000135.4 (MANE Select); coding-DNA position 2114, G replaced by A.
Protein change: p.Ser705Asn; replaces serine 705 with asparagine.
Molecular consequence: missense variant.
Genome position (GRCh38, 1-based): chr16:89,771,715, C>T on the plus strand (G>A on the coding strand, the complement: FANCA is on the minus strand). VCF-style: chr16-89771715-C-T. GRCh37 (hg19) VCF-style: chr16-89838123-C-T.
Other names: c.2114G>A (NM_000135.2); c.2114G>A, p.Ser705Asn (NM_001286167.3); short protein forms S705N.
Identifiers: ClinVar variation 1438297 (VCV001438297.7), dbSNP rs762616165, ClinGen allele CA8251907.

ClinVar aggregate classification (germline): Uncertain significance. Review status: criteria provided, multiple submitters, no conflicts (2 of 4 stars). 2 submissions from 2 submitters: Uncertain significance (2). Last evaluated 2025-01-30.

Conditions:
Fanconi anemia (FA). Also called: Fanconi's anemia. Identifiers: Orphanet 84, MedGen C0015625, MeSH D005199, MONDO:0019391.
Inborn genetic diseases. Identifiers: MedGen C0950123, MeSH D030342.

Allele frequency attached by ClinVar (database versions not stated): ExAC 0.00001; gnomAD exomes 0.00001.

Submissions (2):

Ambry Genetics
Classification: Uncertain significance for Inborn genetic diseases. Last evaluated: 2025-01-30. Review status: criteria provided, single submitter. Criteria: Ambry Variant Classification Scheme 2023. Collection method: clinical testing. Allele origin: germline.
Comment: The p.S705N variant (also known as c.2114G>A), located in coding exon 23 of the FANCA gene, results from a G to A substitution at nucleotide position 2114. The serine at codon 705 is replaced by asparagine, an amino acid with highly similar properties. This amino acid position is conserved. In addition, this alteration is predicted to be tolerated by in silico analysis. Based on the available evidence, the clinical significance of this variant remains unclear.

Labcorp Genetics (formerly Invitae), Labcorp
Classification: Uncertain significance for Fanconi anemia. Last evaluated: 2021-09-20. Review status: criteria provided, single submitter. Criteria: Invitae Variant Classification Sherloc (09022015). Collection method: clinical testing. Allele origin: germline.
Comment: In summary, the available evidence is currently insufficient to determine the role of this variant in disease. Therefore, it has been classified as a Variant of Uncertain Significance. This sequence change replaces serine with asparagine at codon 705 of the FANCA protein (p.Ser705Asn). The serine residue is weakly conserved and there is a small physicochemical difference between serine and asparagine. This variant is present in population databases (rs762616165, ExAC 0.01%). This variant has not been reported in the literature in individuals affected with FANCA-related conditions. Advanced modeling of protein sequence and biophysical properties (such as structural, functional, and spatial information, amino acid conservation, physicochemical variation, residue mobility, and thermodynamic stability) performed at Invitae indicates that this missense variant is not expected to disrupt FANCA protein function.